The following is an entry in ClinVar:

NM_017866.6(TMEM70):c.211-6_220del

Gene: TMEM70 (transmembrane protein 70; plus strand). Cytogenetic location: 8q21.11.
Variant type: Deletion.
Coding change: c.211-6_220del on transcript NM_017866.6 (MANE Select); 6 bases into the intron before coding-DNA position 211 through coding-DNA position 220, 16 bases deleted (CAATAGATCCCTGTTT).
Molecular consequence: splice acceptor variant.
Genome position (GRCh38, 1-based): chr8:73,978,750-73,978,765, CAATAGATCCCTGTTT deleted; deleting any 16 consecutive bases within chr8:73,978,739-73,978,765 gives the same sequence; the c. name uses the placement nearest the transcript's 3' end. VCF-style (leftmost placement, unchanged base first): chr8-73978738-TGATCCCTGTTTCAATA-T. GRCh37 (hg19) VCF-style: chr8-74890973-TGATCCCTGTTTCAATA-T.
Other names: c.211-6_220del (NM_001040613.3).
Identifiers: ClinVar variation 2153484 (VCV002153484.4), dbSNP rs1374036185, ClinGen allele CA582560790.
Genomic context (GRCh38, chr8:73,978,738, plus strand): 5'-GCAAGACTCTGTCTCAAAAAAAAAAACTTAAAAAAATTTAAGAAGGTTAGTTGACCATAA[TGATCCCTGTTTCAATA>T]GATCCCTGTTTATTGGGAAGGATATGTTCGATTCTTAAATACGCCATCTGACAAATCAGA-3'

ClinVar aggregate classification (germline): Likely pathogenic (1 of 4 stars; one submission).

Conditions:
Mitochondrial complex V (ATP synthase) deficiency, nuclear type 2. Also called: Nuclear-Encoded ATPase Deficiency, TMEM70-Related; ENCEPHALOCARDIOMYOPATHY, MITOCHONDRIAL, NEONATAL, DUE TO ATP SYNTHASE DEFICIENCY; MITOCHONDRIAL COMPLEX V (ATP SYNTHASE) DEFICIENCY, TMEM70 TYPE. Identifiers: Orphanet 1194, MedGen C3279699, MONDO:0013546, OMIM 614052.

Submission:

Labcorp Genetics (formerly Invitae), Labcorp
Classification: Likely pathogenic for Mitochondrial complex V (ATP synthase) deficiency, nuclear type 2. Last evaluated: 2025-05-28. Review status: criteria provided, single submitter. Criteria: Invitae Variant Classification Sherloc (09022015). Collection method: clinical testing. Allele origin: germline.
Comment: This variant results in the deletion of part of exon 2 (c.211-6_220del) of the TMEM70 gene. It is expected to disrupt RNA splicing. Variants that disrupt the donor or acceptor splice site typically lead to a loss of protein function (PMID: 16199547), and loss-of-function variants in TMEM70 are known to be pathogenic (PMID: 18953340, 21147908). This variant is present in population databases (no rsID available, gnomAD 0.002%). This variant has not been reported in the literature in individuals affected with TMEM70-related conditions. ClinVar contains an entry for this variant (Variation ID: 2153484). In summary, the currently available evidence indicates that the variant is pathogenic, but additional data are needed to prove that conclusively. Therefore, this variant has been classified as Likely Pathogenic.

Literature cited by the submitters: PubMed 16199547; PubMed 18953340; PubMed 21147908.